The following is an entry in ClinVar:

ClinVar aggregate classification (germline): Likely benign. Review status: criteria provided, multiple submitters, no conflicts (2 of 4 stars). 3 submissions from 3 submitters: Likely benign (3). Last evaluated 2025-12-08.

Conditions:
FG syndrome (FGS). Identifiers: MedGen C0220769, MONDO:0002010.

Submissions (3):

Labcorp Genetics (formerly Invitae), Labcorp
Classification: Likely benign for FG syndrome. Last evaluated: 2025-12-08. Review status: criteria provided, single submitter. Criteria: Invitae Variant Classification Sherloc (09022015). Collection method: clinical testing. Allele origin: germline.

Blueprint Genetics
Classification: Likely benign. Last evaluated: 2023-04-10. Review status: criteria provided, single submitter. Criteria: ACMG Guidelines, 2015. Collection method: clinical testing. Allele origin: germline.

GeneDx
Classification: Likely benign. Last evaluated: 2022-05-25. Review status: criteria provided, single submitter. Criteria: GeneDx Variant Classification Process June 2021. Collection method: clinical testing. Allele origin: germline. Affected: yes.
Comment: See Variant Classification Assertion Criteria.

NM_005120.3(MED12):c.3355-16_3355-13del

Gene: MED12 (mediator complex subunit 12; plus strand). Cytogenetic location: Xq13.1.
Variant type: Microsatellite.
Coding change: c.3355-16_3355-13del on transcript NM_005120.3 (MANE Select); 16 bases into the intron before coding-DNA position 3355 through 13 bases into the intron before coding-DNA position 3355, 4 bases deleted (CTGT; older notation c.3355-16_3355-13delCTGT).
Molecular consequence: intron variant.
Genome position (GRCh38, 1-based): chrX:71,128,582-71,128,585, CTGT deleted; deleting any 4 consecutive bases within chrX:71,128,575-71,128,585 gives the same sequence; the c. name uses the placement nearest the transcript's 3' end. VCF-style (leftmost placement, unchanged base first): chrX-71128574-GTGTC-G. GRCh37 (hg19) VCF-style: chrX-70348424-GTGTC-G.
Other names: c.3355-16_3355-13delCTGT (NM_005120.2).
Identifiers: ClinVar variation 511872 (VCV000511872.10), dbSNP rs1556336608, ClinGen allele CA658799784.